The following is an entry in ClinVar:

NM_015294.6(TRIM37):c.1020-1G>C

Gene: TRIM37 (tripartite motif containing 37; minus strand). Cytogenetic location: 17q22.
Variant type: single nucleotide variant.
Coding change: c.1020-1G>C on transcript NM_015294.6 (MANE Select); the canonical splice acceptor site of the intron before coding-DNA position 1020, G replaced by C.
Molecular consequence: splice acceptor variant.
Genome position (GRCh38, 1-based): chr17:59,057,055, C>G on the plus strand (G>C on the coding strand, the complement: TRIM37 is on the minus strand). VCF-style: chr17-59057055-C-G. GRCh37 (hg19) VCF-style: chr17-57134416-C-G.
Other names: c.918-1G>C (NM_001353082.2, NM_001320987.3); c.969-1G>C (NM_001353086.2); c.1020-1G>C (NM_001320988.3, NM_001353084.2, NM_001320989.3 and 1 more transcripts); c.285-1G>C (NM_001353083.2); c.654-1G>C (NM_001320990.3); c.558-1G>C (NM_001353085.2).
Identifiers: ClinVar variation 2679246 (VCV002679246.5), dbSNP rs752417927, ClinGen allele CA8678418.

ClinVar aggregate classification (germline): Likely pathogenic. Review status: criteria provided, multiple submitters, no conflicts (2 of 4 stars). 2 submissions from 2 submitters: Likely pathogenic (2). Last evaluated 2024-02-20.

Conditions:
Mulibrey nanism syndrome. Also called: MUSCLE-LIVER-BRAIN-EYE NANISM; PERHEENTUPA SYNDROME; PERICARDIAL CONSTRICTION AND GROWTH FAILURE. Identifiers: Orphanet 2576, MedGen C0524582, MONDO:0009664, OMIM 253250.

Allele frequency attached by ClinVar (database versions not stated): gnomAD exomes below 0.00001; ExAC 0.00001; gnomAD 0.00001.
gnomAD v4.1: 7 of 1,613,142 alleles (0.00043%); highest among the groups gnomAD compares: East Asian, 0.016%; no homozygotes.

Submissions (2):

Labcorp Genetics (formerly Invitae), Labcorp
Classification: Likely pathogenic. Last evaluated: 2024-02-20. Review status: criteria provided, single submitter. Criteria: Invitae Variant Classification Sherloc (09022015). Collection method: clinical testing. Allele origin: germline.
Comment: This sequence change affects an acceptor splice site in intron 12 of the TRIM37 gene. It is expected to disrupt RNA splicing. Variants that disrupt the donor or acceptor splice site typically lead to a loss of protein function (PMID: 16199547), and loss-of-function variants in TRIM37 are known to be pathogenic (PMID: 10888877, 15108285). This variant is present in population databases (rs752417927, gnomAD 0.03%). This variant has not been reported in the literature in individuals affected with TRIM37-related conditions. Algorithms developed to predict the effect of sequence changes on RNA splicing suggest that this variant may disrupt the consensus splice site. In summary, the currently available evidence indicates that the variant is pathogenic, but additional data are needed to prove that conclusively. Therefore, this variant has been classified as Likely Pathogenic.

Baylor Genetics
Classification: Likely pathogenic for Mulibrey nanism syndrome. Last evaluated: 2024-02-16. Review status: criteria provided, single submitter. Criteria: ACMG Guidelines, 2015. Collection method: clinical testing. Allele origin: unknown.

Literature cited by the submitters: PubMed 16199547 (cited by Labcorp Genetics (formerly Invitae), Labcorp); PubMed 10888877 (cited by Labcorp Genetics (formerly Invitae), Labcorp); PubMed 15108285 (cited by Labcorp Genetics (formerly Invitae), Labcorp).